The following is an entry in ClinVar:

NM_001114753.3(ENG):c.571_573delinsTG (p.Gly191fs)

Gene: ENG (endoglin; minus strand). Cytogenetic location: 9q34.11.
Variant type: Indel.
Coding change: c.571_573delinsTG on transcript NM_001114753.3 (MANE Select); coding-DNA positions 571 to 573, GGC replaced by TG.
Protein change: p.Gly191fs; shifts the reading frame from glycine 191.
Molecular consequence: frameshift variant.
Genome position (GRCh38, 1-based): chr9:127,825,811-127,825,813, GCC replaced by CA on the plus strand (GGC replaced by TG on the coding strand, the reverse complement: ENG is on the minus strand). VCF-style: chr9-127825811-GCC-CA. GRCh37 (hg19) VCF-style: chr9-130588090-GCC-CA.
Other names: c.571_573delGGCinsTG, p.Gly191Cysfs (NM_000118.4, NM_001406715.1); c.25_27delinsTG, p.Gly9fs (NM_001278138.2); short protein forms G9fs, G191fs.
Identifiers: ClinVar variation 971986 (VCV000971986.3), dbSNP rs1830601919, ClinGen allele CA1139661218.

ClinVar aggregate classification (germline): Pathogenic (1 of 4 stars; one submission).

Conditions:
Hereditary hemorrhagic telangiectasia (HHT). Also called: Osler hemorrhagic telangiectasia syndrome; ORW DISEASE; Osler Weber Rendu syndrome; OSLER-RENDU-WEBER DISEASE. Identifiers: Orphanet 774, MedGen C0039445, MONDO:0019180. Disease mechanism: loss of function.

Submission:

Labcorp Genetics (formerly Invitae), Labcorp
Classification: Pathogenic for Hereditary hemorrhagic telangiectasia. Last evaluated: 2019-12-11. Review status: criteria provided, single submitter. Criteria: Invitae Variant Classification Sherloc (09022015). Collection method: clinical testing. Allele origin: germline.
Comment: This sequence change creates a premature translational stop signal (p.Gly191Cysfs*31) in the ENG gene. It is expected to result in an absent or disrupted protein product. This variant is not present in population databases (ExAC no frequency). This variant has not been reported in the literature in individuals with ENG-related conditions. Loss-of-function variants in ENG are known to be pathogenic (PMID: 15879500, 20656886, 22385575). For these reasons, this variant has been classified as Pathogenic.